The following is an entry in ClinVar:

ClinVar aggregate classification (germline): Uncertain significance. Review status: criteria provided, multiple submitters, no conflicts (2 of 4 stars). 3 submissions from 3 submitters: Uncertain significance (3). Last evaluated 2025-10-29.

Conditions:
Inborn genetic diseases. Identifiers: MedGen C0950123, MeSH D030342.
Autosomal dominant nonsyndromic hearing loss 1. Also called: DEAFNESS, AUTOSOMAL DOMINANT 1, WITH OR WITHOUT THROMBOCYTOPENIA; KONIGSMARK SYNDROME. Identifiers: Orphanet 90635, MedGen C1852282, MONDO:0007424, OMIM 124900.
Progressive microcephaly-seizures-cortical blindness-developmental delay syndrome. Also called: Seizures, cortical blindness, and microcephaly syndrome. Identifiers: Orphanet 477814, MedGen C5567650, MONDO:0014714, OMIM 616632.

Allele frequency attached by ClinVar (database versions not stated): ExAC 0.00001; gnomAD 0.00001; gnomAD exomes 0.00001; TOPMed 0.00002.
gnomAD v4.1: 6 of 1,614,024 alleles (0.00037%); highest among the groups gnomAD compares: Non-Finnish European, 0.00051%; no homozygotes.

Submissions (3):

Labcorp Genetics (formerly Invitae), Labcorp
Classification: Uncertain significance for Progressive microcephaly-seizures-cortical blindness-developmental delay syndrome; Autosomal dominant nonsyndromic hearing loss 1. Last evaluated: 2025-10-29. Review status: criteria provided, single submitter. Criteria: Invitae Variant Classification Sherloc (09022015). Collection method: clinical testing. Allele origin: germline.
Comment: This sequence change replaces glycine, which is neutral and non-polar, with arginine, which is basic and polar, at codon 369 of the DIAPH1 protein (p.Gly369Arg). This variant is present in population databases (rs756750537, gnomAD 0.007%). This variant has not been reported in the literature in individuals affected with DIAPH1-related conditions. ClinVar contains an entry for this variant (Variation ID: 1366565). Experimental studies and prediction algorithms are not available or were not evaluated, and the functional significance of this variant is currently unknown. In summary, the available evidence is currently insufficient to determine the role of this variant in disease. Therefore, it has been classified as a Variant of Uncertain Significance.

Ambry Genetics
Classification: Uncertain significance for Inborn genetic diseases. Last evaluated: 2025-04-25. Review status: criteria provided, single submitter. Criteria: Ambry Variant Classification Scheme 2023. Collection method: clinical testing. Allele origin: germline.

Blueprint Genetics
Classification: Uncertain significance. Last evaluated: 2023-08-15. Review status: criteria provided, single submitter. Criteria: ACMG Guidelines, 2015. Collection method: clinical testing. Allele origin: germline.

NM_005219.5(DIAPH1):c.1105G>A (p.Gly369Arg)

Gene: DIAPH1 (diaphanous related formin 1; minus strand). Cytogenetic location: 5q31.3.
Variant type: single nucleotide variant.
Coding change: c.1105G>A on transcript NM_005219.5 (MANE Select); coding-DNA position 1105, G replaced by A.
Protein change: p.Gly369Arg; replaces glycine 369 with arginine.
Molecular consequence: missense variant.
Genome position (GRCh38, 1-based): chr5:141,578,283, C>T on the plus strand (G>A on the coding strand, the complement: DIAPH1 is on the minus strand). VCF-style: chr5-141578283-C-T. GRCh37 (hg19) VCF-style: chr5-140957850-C-T.
Other names: c.1078G>A, p.Gly360Arg (NM_001079812.3); c.1105G>A, p.Gly369Arg (NM_001314007.2); c.1105G>A (NM_005219.4); short protein forms G369R, G360R.
Identifiers: ClinVar variation 1366565 (VCV001366565.10), dbSNP rs756750537, ClinGen allele CA3479389.